The following is an entry in ClinVar:

ClinVar aggregate classification (germline): Uncertain significance (1 of 4 stars; one submission).

Conditions:
X-linked myopathy with postural muscle atrophy. Also called: FHL1-Related Emery-Dreifuss Muscular Dystrophy, X-Linked. Identifiers: Orphanet 178461, MedGen C2678055, MONDO:0010401, OMIM 300696.

Submission:

Labcorp Genetics (formerly Invitae), Labcorp
Classification: Uncertain significance for X-linked myopathy with postural muscle atrophy. Last evaluated: 2023-12-06. Review status: criteria provided, single submitter. Criteria: Invitae Variant Classification Sherloc (09022015). Collection method: clinical testing. Allele origin: germline.
Comment: This sequence change replaces leucine, which is neutral and non-polar, with proline, which is neutral and non-polar, at codon 72 of the FHL1 protein (p.Leu72Pro). This variant is not present in population databases (gnomAD no frequency). This variant has not been reported in the literature in individuals affected with FHL1-related conditions. ClinVar contains an entry for this variant (Variation ID: 1968872). An algorithm developed to predict the effect of missense changes on protein structure and function (PolyPhen-2) suggests that this variant is likely to be disruptive. In summary, the available evidence is currently insufficient to determine the role of this variant in disease. Therefore, it has been classified as a Variant of Uncertain Significance.

NM_001159699.2(FHL1):c.263T>C (p.Leu88Pro)

Gene: FHL1 (four and a half LIM domains 1; plus strand). Cytogenetic location: Xq26.3.
Variant type: single nucleotide variant.
Coding change: c.263T>C on transcript NM_001159699.2 (MANE Select); coding-DNA position 263, T replaced by C.
Protein change: p.Leu88Pro; replaces leucine 88 with proline.
Molecular consequence: missense variant. On other transcripts: non-coding transcript variant (1).
Genome position (GRCh38, 1-based): chrX:136,207,074, T>C. VCF-style: chrX-136207074-T-C. GRCh37 (hg19) VCF-style: chrX-135289233-T-C.
Other names: c.215T>C, p.Leu72Pro (NM_001159700.2, NM_001159702.3, NM_001159703.2 and 9 more transcripts); c.302T>C, p.Leu101Pro (NM_001159701.2); c.263T>C, p.Leu88Pro (NM_001330659.2); short protein forms L72P, L88P, L101P.
Identifiers: ClinVar variation 1968872 (VCV001968872.5), dbSNP rs2521263688, ClinGen allele CA414608015.